The following is an entry in ClinVar:

ClinVar aggregate classification (germline): Pathogenic (1 of 4 stars; one submission).

Conditions:
Diamond-Blackfan anemia. Also called: Blackfan Diamond syndrome; Aregenerative anemia chronic congenital; Red cell aplasia, pure hereditary; Congenital hypoplastic anemia; Aase syndrome. Identifiers: Orphanet 124, MedGen C1260899, MeSH D029503, MONDO:0015253, HP:0004810.
GATA binding protein 1 related thrombocytopenia with dyserythropoiesis. Also called: GATA1-Related Cytopenia; GATA1-Related X-Linked Cytopenia. Identifiers: MedGen C1845837, MONDO:0100089.

Submission:

Labcorp Genetics (formerly Invitae), Labcorp
Classification: Pathogenic for GATA binding protein 1 related thrombocytopenia with dyserythropoiesis; Diamond-Blackfan anemia. Last evaluated: 2023-02-18. Review status: criteria provided, single submitter. Criteria: Invitae Variant Classification Sherloc (09022015). Collection method: clinical testing. Allele origin: germline.
Comment: For these reasons, this variant has been classified as Pathogenic. This sequence change creates a premature translational stop signal (p.Phe33Leufs*14) in the GATA1 gene. It is expected to result in an absent or disrupted protein product. Loss-of-function variants in GATA1 are known to be pathogenic (PMID: 16783379, 22706301, 23704091, 24453067). This variant is not present in population databases (gnomAD no frequency). This variant has not been reported in the literature in individuals affected with GATA1-related conditions.

Literature cited by the submitters: PubMed 16783379; PubMed 22706301; PubMed 23704091; PubMed 24453067.

NM_002049.4(GATA1):c.71_92dup (p.Phe33fs)

Gene: GATA1 (GATA binding protein 1; plus strand). Cytogenetic location: Xp11.23.
Variant type: Duplication.
Coding change: c.71_92dup on transcript NM_002049.4 (MANE Select); coding-DNA positions 71 to 92, 22 bases duplicated (TGTCCTCCACACCAGAATCAGG).
Protein change: p.Phe33fs; shifts the reading frame from phenylalanine 33.
Molecular consequence: frameshift variant.
Genome position (GRCh38, 1-based): chrX:48,791,180-48,791,201, TGTCCTCCACACCAGAATCAGG duplicated; duplicating any 22 consecutive bases within chrX:48,791,178-48,791,201 gives the same sequence; the c. name uses the placement nearest the transcript's 3' end. VCF-style (leftmost placement, unchanged base first): chrX-48791177-T-TGGTGTCCTCCACACCAGAATCA. GRCh37 (hg19) VCF-style: chrX-48649584-T-TGGTGTCCTCCACACCAGAATCA.
Other names: short protein forms F33fs.
Identifiers: ClinVar variation 2944455 (VCV002944455.3), dbSNP rs2519343661, ClinGen allele CA2740092143.